The following is an entry in ClinVar:

NM_021098.3(CACNA1H):c.830C>T (p.Pro277Leu)

Gene: CACNA1H (calcium voltage-gated channel subunit alpha1 H; plus strand). Cytogenetic location: 16p13.3.
Variant type: single nucleotide variant.
Coding change: c.830C>T on transcript NM_021098.3 (MANE Select); coding-DNA position 830, C replaced by T.
Protein change: p.Pro277Leu; replaces proline 277 with leucine.
Molecular consequence: missense variant.
Genome position (GRCh38, 1-based): chr16:1,200,282, C>T. VCF-style: chr16-1200282-C-T. GRCh37 (hg19) VCF-style: chr16-1250282-C-T.
Other names: c.830C>T, p.Pro277Leu (NM_001005407.2); short protein forms P277L.
Identifiers: ClinVar variation 279725 (VCV000279725.6), dbSNP rs372848579, ClinGen allele CA7799680.

ClinVar aggregate classification (germline): Conflicting classifications of pathogenicity. Review status: criteria provided, conflicting classifications (1 of 4 stars). 3 submissions from 3 submitters: Uncertain significance (2); Benign (1). Last evaluated 2023-10-09.

Conditions:
Idiopathic generalized epilepsy. Also called: Generalised epilepsy; EIG. Identifiers: MedGen C0270850, MONDO:0005579, OMIM 600669.
Hyperaldosteronism, familial, type IV (HALD4). Also called: FH IV; ALDOSTERONISM, PRIMARY, AND HYPERTENSION. Identifiers: Orphanet 642671, MedGen C4310756, MONDO:0014875, OMIM 617027.
Epilepsy, childhood absence, susceptibility to, 6. Identifiers: Orphanet 64280, MedGen C2749872, MONDO:0012763, OMIM 611942.

Allele frequency attached by ClinVar (database versions not stated): ExAC 0.00001; gnomAD 0.00002; gnomAD exomes 0.00004; TOPMed 0.00004; ESP Exome Variant Server 0.00008.
gnomAD v4.1: 24 of 1,602,644 alleles (0.0015%); highest among the groups gnomAD compares: East Asian, 0.02%; no homozygotes.

Submissions (3):

Labcorp Genetics (formerly Invitae), Labcorp
Classification: Benign for Idiopathic generalized epilepsy; Hyperaldosteronism, familial, type IV. Last evaluated: 2023-10-09. Review status: criteria provided, single submitter. Criteria: Invitae Variant Classification Sherloc (09022015). Collection method: clinical testing. Allele origin: germline.

Fulgent Genetics
Classification: Uncertain significance for Epilepsy, childhood absence, susceptibility to, 6; Hyperaldosteronism, familial, type IV. Last evaluated: 2018-10-31. Review status: criteria provided, single submitter. Criteria: ACMG Guidelines, 2015. Collection method: clinical testing. Allele origin: unknown.

GeneDx
Classification: Uncertain significance. Last evaluated: 2016-02-26. Review status: criteria provided, single submitter. Criteria: GeneDx Variant Classification (06012015). Collection method: clinical testing. Allele origin: germline. Affected: yes.
Comment: The P277L variant in the CACNA1H gene has not been reported previously as a pathogenic variant, nor as a benign variant, to our knowledge. The P277L variant was not observed at any significant frequency in approximately 6,300 individuals of European and African American ancestry in the NHLBI Exome Sequencing Project, indicating it is not a common benign variant in these populations. The P277L variant is a semi-conservative amino acid substitution, which may impact secondary protein structure as these residues differ in some properties. This substitution occurs at a position that is conserved in mammals. In silico analysis is inconsistent in its predictions as to whether or not the variant is damaging to the protein structure/function. We interpret P277L as a variant of uncertain significance.